The following is an entry in ClinVar:

NM_145166.4(ZBTB47):c.608C>T (p.Pro203Leu)

Gene: ZBTB47 (zinc finger and BTB domain containing 47; plus strand). Cytogenetic location: 3p22.1.
Variant type: single nucleotide variant.
Coding change: c.608C>T on transcript NM_145166.4 (MANE Select); coding-DNA position 608, C replaced by T.
Protein change: p.Pro203Leu; replaces proline 203 with leucine.
Molecular consequence: missense variant.
Genome position (GRCh38, 1-based): chr3:42,658,963, C>T. VCF-style: chr3-42658963-C-T. GRCh37 (hg19) VCF-style: chr3-42700455-C-T.
Other names: c.692C>T, p.Pro231Leu (NM_001410746.1); short protein forms P203L, P231L.
Identifiers: ClinVar variation 4822540 (VCV004822540.4).

ClinVar aggregate classification (germline): Likely benign (1 of 4 stars; one submission).

Submission:

CeGaT Center for Human Genetics Tuebingen
Classification: Likely benign. Last evaluated: 2026-03-01. Review status: criteria provided, single submitter. Criteria: CeGaT Center For Human Genetics Tuebingen Variant Classification Criteria Version 2. Collection method: clinical testing. Allele origin: germline. Affected: yes. Observed: 1 variant allele.
Comment: ZBTB47: BP4